The following is an entry in ClinVar:

ClinVar aggregate classification (germline): Uncertain significance. Review status: criteria provided, multiple submitters, no conflicts (2 of 4 stars). 2 submissions from 2 submitters: Uncertain significance (2). Last evaluated 2024-05-20.

Conditions:
Inborn genetic diseases. Identifiers: MedGen C0950123, MeSH D030342.

Allele frequency attached by ClinVar (database versions not stated): ESP Exome Variant Server 0.00015.

Submissions (2):

Labcorp Genetics (formerly Invitae), Labcorp
Classification: Uncertain significance. Last evaluated: 2024-05-20. Review status: criteria provided, single submitter. Criteria: Invitae Variant Classification Sherloc (09022015). Collection method: clinical testing. Allele origin: germline.
Comment: This sequence change replaces methionine, which is neutral and non-polar, with threonine, which is neutral and polar, at codon 2 of the TBXAS1 protein (p.Met2Thr). This variant is present in population databases (rs148207522, gnomAD 0.04%). This variant has not been reported in the literature in individuals affected with TBXAS1-related conditions. ClinVar contains an entry for this variant (Variation ID: 2055542). An algorithm developed to predict the effect of missense changes on protein structure and function (PolyPhen-2) suggests that this variant is likely to be tolerated. In summary, the available evidence is currently insufficient to determine the role of this variant in disease. Therefore, it has been classified as a Variant of Uncertain Significance.

Ambry Genetics
Classification: Uncertain significance for Inborn genetic diseases. Last evaluated: 2021-11-15. Review status: criteria provided, single submitter. Criteria: Ambry Variant Classification Scheme 2023. Collection method: clinical testing. Allele origin: germline.

NM_001061.7(TBXAS1):c.2T>C (p.Met1Thr)

Genes: TBXAS1 (thromboxane A synthase 1; plus strand), LOC126860199 (CDK7 strongly-dependent group 2 enhancer GRCh37_chr7:139528736-139529935; plus strand). Cytogenetic location: 7q34.
Variant type: single nucleotide variant.
Coding change: c.2T>C on transcript NM_001061.7 (MANE Select); coding-DNA position 2, T replaced by C.
Protein change: p.Met1Thr; changes the start codon (methionine 1).
Molecular consequence: missense variant, initiator codon variant. On other transcripts: 5 prime UTR variant (2), intron variant (1).
Genome position (GRCh38, 1-based): chr7:139,829,392, T>C. VCF-style: chr7-139829392-T-C. GRCh37 (hg19) VCF-style: chr7-139529191-T-C.
Other names: c.2T>C, p.Met1Thr (NM_001130966.5, NM_001166253.4, NM_001366538.2 and 1 more transcripts); c.-85T>C (NM_001314028.4, NM_001366537.3); c.-113+41966T>C (NM_001166254.4); short protein forms M2T, M1T.
Identifiers: ClinVar variation 2055542 (VCV002055542.6), dbSNP rs148207522, ClinGen allele CA4511434.